The following is an entry in ClinVar:

NM_014000.3(VCL):c.535C>G (p.Gln179Glu)

Gene: VCL (vinculin; plus strand). Cytogenetic location: 10q22.2.
Variant type: single nucleotide variant.
Coding change: c.535C>G on transcript NM_014000.3 (MANE Select); coding-DNA position 535, C replaced by G.
Protein change: p.Gln179Glu; replaces glutamine 179 with glutamic acid.
Molecular consequence: missense variant.
Genome position (GRCh38, 1-based): chr10:74,072,765, C>G. VCF-style: chr10-74072765-C-G. GRCh37 (hg19) VCF-style: chr10-75832523-C-G.
Other names: c.535C>G, p.Gln179Glu (NM_003373.4); short protein forms Q179E.
Identifiers: ClinVar variation 1747055 (VCV001747055.2), dbSNP rs1054125202, ClinGen allele CA209693115.
Genomic context (GRCh38, chr10:74,072,765, plus strand): 5'-GCACAATTTCTTCTTTGTGCCCCAGGAATGACTAAGATGGCCAAGATGATTGACGAGAGA[C>G]AGCAGGAGCTCACTCACCAGGAGCACCGAGTGATGTTGGTGAACTCGATGAACACCGTGA-3'
Protein context (NP_054706.1, residues 169-189): TKMAKMIDER[Gln179Glu]QELTHQEHRV

ClinVar aggregate classification (germline): Uncertain significance (1 of 4 stars; one submission).

Conditions:
Cardiovascular phenotype. Identifiers: MedGen CN230736.

Allele frequency attached by ClinVar (database versions not stated): gnomAD exomes below 0.00001; TOPMed below 0.00001.
gnomAD v4.1: 2 of 1,614,046 alleles (0.00012%); highest among the groups gnomAD compares: Admixed American, 0.0033%; no homozygotes.

Submission:

Ambry Genetics
Classification: Uncertain significance for Cardiovascular phenotype. Last evaluated: 2021-07-18. Review status: criteria provided, single submitter. Criteria: Ambry Variant Classification Scheme 2023. Collection method: clinical testing. Allele origin: germline.
Comment: The p.Q179E variant (also known as c.535C>G), located in coding exon 5 of the VCL gene, results from a C to G substitution at nucleotide position 535. The glutamine at codon 179 is replaced by glutamic acid, an amino acid with highly similar properties. This amino acid position is conserved. In addition, the in silico prediction for this alteration is inconclusive. Since supporting evidence is limited at this time, the clinical significance of this alteration remains unclear.